The following is an entry in ClinVar:

NM_000051.4(ATM):c.1681C>G (p.Gln561Glu)

Gene: ATM (ATM serine/threonine kinase; plus strand). Cytogenetic location: 11q22.3.
Variant type: single nucleotide variant.
Coding change: c.1681C>G on transcript NM_000051.4 (MANE Select); coding-DNA position 1681, C replaced by G.
Protein change: p.Gln561Glu; replaces glutamine 561 with glutamic acid.
Molecular consequence: missense variant.
Genome position (GRCh38, 1-based): chr11:108,251,910, C>G. VCF-style: chr11-108251910-C-G. GRCh37 (hg19) VCF-style: chr11-108122637-C-G.
Other names: c.1681C>G, p.Gln561Glu (NM_001351834.2); short protein forms Q561E.
Identifiers: ClinVar variation 1045739 (VCV001045739.8), dbSNP rs2080170537, ClinGen allele CA382535156.

ClinVar aggregate classification (germline): Uncertain significance (1 of 4 stars; one submission).

Conditions:
Ataxia-telangiectasia syndrome (AT). Also called: ATAXIA-TELANGIECTASIA, COMPLEMENTATION GROUP A; ATAXIA-TELANGIECTASIA, FRESNO VARIANT; Ataxia-telangiectasia, complementation group D; AT, COMPLEMENTATION GROUP C; Cerebello-oculocutaneous telangiectasia; Immunodeficiency with ataxia telangiectasia. Identifiers: Orphanet 100, MedGen C0004135, MONDO:0008840, OMIM 208900.

Submission:

Labcorp Genetics (formerly Invitae), Labcorp
Classification: Uncertain significance for Ataxia-telangiectasia syndrome. Last evaluated: 2020-08-18. Review status: criteria provided, single submitter. Criteria: Invitae Variant Classification Sherloc (09022015). Collection method: clinical testing. Allele origin: germline.
Comment: Advanced modeling of protein sequence and biophysical properties (such as structural, functional, and spatial information, amino acid conservation, physicochemical variation, residue mobility, and thermodynamic stability) performed at Invitae indicates that this missense variant is not expected to disrupt ATM protein function. This variant has not been reported in the literature in individuals with ATM-related conditions. This variant is not present in population databases (ExAC no frequency). This sequence change replaces glutamine with glutamic acid at codon 561 of the ATM protein (p.Gln561Glu). The glutamine residue is weakly conserved and there is a small physicochemical difference between glutamine and glutamic acid. In summary, the available evidence is currently insufficient to determine the role of this variant in disease. Therefore, it has been classified as a Variant of Uncertain Significance.